The following is an entry in ClinVar:

NM_001128159.3(VPS53):c.892del (p.Tyr298fs)

Gene: VPS53 (VPS53 subunit of GARP complex; minus strand). Cytogenetic location: 17p13.3.
Variant type: Deletion.
Coding change: c.892del on transcript NM_001128159.3 (MANE Select); coding-DNA position 892, one base deleted (T; older notation c.892delT).
Protein change: p.Tyr298fs; shifts the reading frame from tyrosine 298.
Molecular consequence: frameshift variant.
Genome position (GRCh38, 1-based): chr17:627,256, A deleted on the plus strand (T on the coding strand, the reverse complement: VPS53 is on the minus strand). VCF-style (leftmost placement, unchanged base first): chr17-627255-TA-T. GRCh37 (hg19) VCF-style: chr17-530495-TA-T.
Other names: c.892del, p.Tyr298fs (NM_001366253.2); c.298del, p.Tyr100fs (NM_001366254.2); c.805del, p.Tyr269fs (NM_018289.4); short protein forms Y100fs, Y269fs, Y298fs.
Identifiers: ClinVar variation 5015202 (VCV005015202.1).
Genomic context (GRCh38, chr17:627,255, plus strand): 5'-ACCGCAATCCTCTCAGCCATGCACCACTCACGTGGAAACATGCGGCCGTATTTCTCCTCA[TA>T]GTCCACAAGCTGGCGTTTTATCCAGGCATAGCGTCTGTCGATTTTGTCCAGCCAGGCAAC-3'

ClinVar aggregate classification (germline): Pathogenic (1 of 4 stars; one submission).

Conditions:
Pontocerebellar hypoplasia type 2E. Identifiers: Orphanet 247198, MedGen C4014488, MONDO:0014370, OMIM 615851.

Submission:

Myriad Genetics, Inc.
Classification: Pathogenic for Pontocerebellar hypoplasia type 2E. Last evaluated: 2025-11-12. Review status: criteria provided, single submitter. Criteria: Myriad Autosomal Dominant, Autosomal Recessive and X-Linked Classification Criteria (2023). Collection method: clinical testing. Allele origin: unknown.
Comment: NM_001128159.2(VPS53):c.892delT(Y298Mfs*26) is expected to be pathogenic in the context of pontocerebellar hypoplasia, VPS53-related. This variant is predicted to lead to an abnormal or absent protein product due to the creation of a premature termination codon in VPS53, a gene where loss-of-function variants are known to be pathogenic. Please note: this variant was assessed in the context of healthy population screening.